The following is an entry in ClinVar:

NM_005144.5(HR):c.2566C>T (p.Arg856Trp)

Gene: HR (HR lysine demethylase and nuclear receptor corepressor; minus strand). Cytogenetic location: 8p21.3.
Variant type: single nucleotide variant.
Coding change: c.2566C>T on transcript NM_005144.5 (MANE Select); coding-DNA position 2566, C replaced by T.
Protein change: p.Arg856Trp; replaces arginine 856 with tryptophan.
Molecular consequence: missense variant.
Genome position (GRCh38, 1-based): chr8:22,120,760, G>A on the plus strand (C>T on the coding strand, the complement: HR is on the minus strand). VCF-style: chr8-22120760-G-A. GRCh37 (hg19) VCF-style: chr8-21978273-G-A.
Other names: c.2566C>T, p.Arg856Trp (NM_018411.4); short protein forms R856W.
Identifiers: ClinVar variation 362490 (VCV000362490.13), dbSNP rs377059643, ClinGen allele CA4662081.

ClinVar aggregate classification (germline): Conflicting classifications of pathogenicity. Review status: criteria provided, conflicting classifications (1 of 4 stars). 6 submissions from 5 submitters: Uncertain significance (4); Likely benign (2). Last evaluated 2026-09-01.

Conditions:
Atrichia with papular lesions (APL). Also called: PAPULAR ATRICHIA. Identifiers: Orphanet 86819, MedGen C1859592, MONDO:0008847, OMIM 209500.
Alopecia universalis congenita (ALUNC). Also called: ATRICHIA, GENERALIZED. Identifiers: Orphanet 701, MedGen C1859877, MONDO:0008757, OMIM 203655.
Inborn genetic diseases. Identifiers: MedGen C0950123, MeSH D030342.

Allele frequency attached by ClinVar (database versions not stated): 1000 Genomes Project 0.00040; 1000 Genomes Project 30x 0.00047; ESP Exome Variant Server 0.00106; TOPMed 0.00183.
gnomAD v4.1: 3,835 of 1,520,648 alleles (0.25%); highest among the groups gnomAD compares: Non-Finnish European, 0.32%; 7 homozygotes.

Submissions (6):

CeGaT Center for Human Genetics Tuebingen
Classification: Likely benign. Last evaluated: 2026-09-01. Review status: criteria provided, single submitter. Criteria: CeGaT Center For Human Genetics Tuebingen Variant Classification Criteria Version 2. Collection method: clinical testing. Allele origin: germline. Affected: yes. Observed: 1 variant allele.
Comment: HR: BP4, BS1

GeneDx
Classification: Uncertain significance. Last evaluated: 2026-03-27. Review status: criteria provided, single submitter. Criteria: GeneDx Variant Classification Process June 2021. Collection method: clinical testing. Allele origin: germline.
Comment: In silico analysis suggests that this missense variant does not alter protein structure/function; Has not been previously published as pathogenic or benign to our knowledge

Labcorp Genetics (formerly Invitae), Labcorp
Classification: Likely benign. Last evaluated: 2025-11-03. Review status: criteria provided, single submitter. Criteria: Invitae Variant Classification Sherloc (09022015). Collection method: clinical testing. Allele origin: germline.

Ambry Genetics
Classification: Uncertain significance for Inborn genetic diseases. Last evaluated: 2023-12-20. Review status: criteria provided, single submitter. Criteria: Ambry Variant Classification Scheme 2023. Collection method: clinical testing. Allele origin: germline.

Illumina Laboratory Services, Illumina
Classification: Uncertain significance for Alopecia universalis congenita. Last evaluated: 2018-01-12. Review status: criteria provided, single submitter. Criteria: ICSL Variant Classification Criteria 13 December 2019. Collection method: clinical testing. Allele origin: germline.

Illumina Laboratory Services, Illumina
Classification: Uncertain significance for Atrichia with papular lesions. Last evaluated: 2018-01-12. Review status: criteria provided, single submitter. Criteria: ICSL Variant Classification Criteria 13 December 2019. Collection method: clinical testing. Allele origin: germline.